The following is an entry in ClinVar:

NM_001754.5(RUNX1):c.565_568del (p.Tyr189fs)

Genes: RUNX1 (RUNX family transcription factor 1; minus strand), RUNX1-AS1 (RUNX1 antisense RNA 1; plus strand). Cytogenetic location: 21q22.12.
Variant type: Deletion.
Coding change: c.565_568del on transcript NM_001754.5 (MANE Select); coding-DNA positions 565 to 568, 4 bases deleted (TACC; older notation c.565_568delTACC).
Protein change: p.Tyr189fs; shifts the reading frame from tyrosine 189.
Molecular consequence: frameshift variant.
Genome position (GRCh38, 1-based): chr21:34,859,519-34,859,522, GGTA deleted on the plus strand (TACC on the coding strand, the reverse complement: RUNX1 is on the minus strand); deleting any 4 consecutive bases within chr21:34,859,519-34,859,525 gives the same sequence; the c. name uses the placement nearest the transcript's 3' end. VCF-style (leftmost placement, unchanged base first): chr21-34859518-TGGTA-T. GRCh37 (hg19) VCF-style: chr21-36231815-TGGTA-T.
Other names: c.484_487del, p.Tyr162fs (NM_001001890.3, NM_001122607.2); short protein forms Y162fs, Y189fs.
Identifiers: ClinVar variation 4723459 (VCV004723459.1).

ClinVar aggregate classification (germline): Pathogenic (1 of 4 stars; one submission).

Conditions:
Hereditary thrombocytopenia and hematological cancer predisposition syndrome associated with RUNX1. Also called: Familial Platelet Disorder with Propensity to Acute Myelogenous Leukemia; Familial thrombocytopenia with propensity to acute myelogenous leukemia; PLATELET DISORDER, ASPIRIN-LIKE; RUNX1 Familial Platelet Disorder with Associated Myeloid Malignancies. Identifiers: Orphanet 71290, MedGen C1832388, MeSH C563324, MONDO:0100083, OMIM 601399.

Submission:

Labcorp Genetics (formerly Invitae), Labcorp
Classification: Pathogenic for Hereditary thrombocytopenia and hematological cancer predisposition syndrome associated with RUNX1. Last evaluated: 2025-07-31. Review status: criteria provided, single submitter. Criteria: Invitae Variant Classification Sherloc (09022015). Collection method: clinical testing. Allele origin: germline.
Comment: This sequence change creates a premature translational stop signal (p.Tyr189Thrfs*21) in the RUNX1 gene. It is expected to result in an absent or disrupted protein product. Loss-of-function variants in RUNX1 are known to be pathogenic (PMID: 18723428, 24100448). This variant is not present in population databases (gnomAD no frequency). This variant has not been reported in the literature in individuals affected with RUNX1-related conditions. For these reasons, this variant has been classified as Pathogenic.

Literature cited by the submitters: PubMed 18723428; PubMed 24100448.